The following is an entry in ClinVar:

ClinVar aggregate classification (germline): Uncertain significance (1 of 4 stars; one submission).

Conditions:
Schuurs-Hoeijmakers syndrome. Also called: PACS1-Related Neurodevelopmental Disorder. Identifiers: Orphanet 329224, MedGen C3554343, MONDO:0014006, OMIM 615009.

Submission:

Labcorp Genetics (formerly Invitae), Labcorp
Classification: Uncertain significance for Schuurs-Hoeijmakers syndrome. Last evaluated: 2024-03-17. Review status: criteria provided, single submitter. Criteria: Invitae Variant Classification Sherloc (09022015). Collection method: clinical testing. Allele origin: germline.
Comment: This sequence change replaces leucine, which is neutral and non-polar, with methionine, which is neutral and non-polar, at codon 147 of the PACS1 protein (p.Leu147Met). This variant is not present in population databases (gnomAD no frequency). This variant has not been reported in the literature in individuals affected with PACS1-related conditions. Advanced modeling of protein sequence and biophysical properties (such as structural, functional, and spatial information, amino acid conservation, physicochemical variation, residue mobility, and thermodynamic stability) performed at Invitae indicates that this missense variant is not expected to disrupt PACS1 protein function with a negative predictive value of 80%. In summary, the available evidence is currently insufficient to determine the role of this variant in disease. Therefore, it has been classified as a Variant of Uncertain Significance.

NM_018026.4(PACS1):c.439C>A (p.Leu147Met)

Gene: PACS1 (phosphofurin acidic cluster sorting protein 1; plus strand). Cytogenetic location: 11q13.2.
Variant type: single nucleotide variant.
Coding change: c.439C>A on transcript NM_018026.4 (MANE Select); coding-DNA position 439, C replaced by A.
Protein change: p.Leu147Met; replaces leucine 147 with methionine.
Molecular consequence: missense variant.
Genome position (GRCh38, 1-based): chr11:66,193,568, C>A. VCF-style: chr11-66193568-C-A. GRCh37 (hg19) VCF-style: chr11-65961039-C-A.
Other names: short protein forms L147M.
Identifiers: ClinVar variation 3646440 (VCV003646440.2).